The following is an entry in ClinVar:

NM_012330.4(KAT6B):c.424A>C (p.Thr142Pro)

Gene: KAT6B (lysine acetyltransferase 6B; plus strand). Cytogenetic location: 10q22.2.
Variant type: single nucleotide variant.
Coding change: c.424A>C on transcript NM_012330.4 (MANE Select); coding-DNA position 424, A replaced by C.
Protein change: p.Thr142Pro; replaces threonine 142 with proline.
Molecular consequence: missense variant. On other transcripts: 5 prime UTR variant (2).
Genome position (GRCh38, 1-based): chr10:74,843,281, A>C. VCF-style: chr10-74843281-A-C. GRCh37 (hg19) VCF-style: chr10-76603039-A-C.
Other names: c.424A>C, p.Thr142Pro (NM_001256468.2, NM_001256469.2, NM_001370132.1 and 10 more transcripts); c.-115A>C (NM_001370134.1, NM_001370135.1); short protein forms T142P.
Identifiers: ClinVar variation 3703339 (VCV003703339.2).

ClinVar aggregate classification (germline): Uncertain significance (1 of 4 stars; one submission).

Conditions:
Genitopatellar syndrome (GTPTS). Also called: ABSENT PATELLAE, SCROTAL HYPOPLASIA, RENAL ANOMALIES, FACIAL DYSMORPHISM, AND MENTAL RETARDATION; Genitopatellar syndrome (GPS). Identifiers: Orphanet 85201, MedGen C1853566, MONDO:0011640, OMIM 606170.

Submission:

Labcorp Genetics (formerly Invitae), Labcorp
Classification: Uncertain significance for Genitopatellar syndrome. Last evaluated: 2024-12-10. Review status: criteria provided, single submitter. Criteria: Invitae Variant Classification Sherloc (09022015). Collection method: clinical testing. Allele origin: germline.
Comment: This sequence change replaces threonine, which is neutral and polar, with proline, which is neutral and non-polar, at codon 142 of the KAT6B protein (p.Thr142Pro). This variant is not present in population databases (gnomAD no frequency). This variant has not been reported in the literature in individuals affected with KAT6B-related conditions. Invitae Evidence Modeling of protein sequence and biophysical properties (such as structural, functional, and spatial information, amino acid conservation, physicochemical variation, residue mobility, and thermodynamic stability) indicates that this missense variant is not expected to disrupt KAT6B protein function with a negative predictive value of 80%. In summary, the available evidence is currently insufficient to determine the role of this variant in disease. Therefore, it has been classified as a Variant of Uncertain Significance.